The following is an entry in ClinVar:

NM_019594.4(LRRC8A):c.880G>T (p.Asp294Tyr)

Gene: LRRC8A (leucine rich repeat containing 8 VRAC subunit A; plus strand). Cytogenetic location: 9q34.11.
Variant type: single nucleotide variant.
Coding change: c.880G>T on transcript NM_019594.4 (MANE Select); coding-DNA position 880, G replaced by T.
Protein change: p.Asp294Tyr; replaces aspartic acid 294 with tyrosine.
Molecular consequence: missense variant.
Genome position (GRCh38, 1-based): chr9:128,908,044, G>T. VCF-style: chr9-128908044-G-T. GRCh37 (hg19) VCF-style: chr9-131670323-G-T.
Other names: c.880G>T, p.Asp294Tyr (NM_001127244.2, NM_001127245.2); c.880G>T (NM_001127244.1); short protein forms D294Y.
Identifiers: ClinVar variation 3607832 (VCV003607832.3).

ClinVar aggregate classification (germline): Uncertain significance. Review status: criteria provided, multiple submitters, no conflicts (2 of 4 stars). 2 submissions from 2 submitters: Uncertain significance (2). Last evaluated 2024-12-26.

gnomAD v4.1: 12 of 1,613,950 alleles (0.00074%); highest among the groups gnomAD compares: African/African-American, 0.016%; no homozygotes.

Submissions (2):

Labcorp Genetics (formerly Invitae), Labcorp
Classification: Uncertain significance. Last evaluated: 2024-12-26. Review status: criteria provided, single submitter. Criteria: Invitae Variant Classification Sherloc (09022015). Collection method: clinical testing. Allele origin: germline.
Comment: This sequence change replaces aspartic acid, which is acidic and polar, with tyrosine, which is neutral and polar, at codon 294 of the LRRC8A protein (p.Asp294Tyr). This variant is present in population databases (rs147274949, gnomAD 0.02%). This variant has not been reported in the literature in individuals affected with LRRC8A-related conditions. An algorithm developed to predict the effect of missense changes on protein structure and function (PolyPhen-2) suggests that this variant is likely to be tolerated. In summary, the available evidence is currently insufficient to determine the role of this variant in disease. Therefore, it has been classified as a Variant of Uncertain Significance.

Ambry Genetics
Classification: Uncertain significance. Last evaluated: 2024-12-21. Review status: criteria provided, single submitter. Criteria: Ambry Variant Classification Scheme 2023. Collection method: clinical testing. Allele origin: germline.